The following is an entry in ClinVar:

ClinVar aggregate classification (germline): Uncertain significance (1 of 4 stars; one submission).

Conditions:
Singleton-Merten syndrome 1 (SGMRT1). Also called: Widened medullary cavities of bone, aortic calcification, abnormal dentition, and muscular weakness; Syndrome of widened medullary cavities of the metacarpals and phalanges, aortic calcification and abnormal dentition. Identifiers: Orphanet 85191, MedGen C4225427, MONDO:0024535, OMIM 182250.
Aicardi-Goutieres syndrome 7 (AGS7). Identifiers: Orphanet 51, MedGen C3888244, MONDO:0014367, OMIM 615846.

Allele frequency attached by ClinVar (database versions not stated): gnomAD exomes below 0.00001; gnomAD 0.00001; TOPMed 0.00001.
gnomAD v4.1: 2 of 1,599,784 alleles (0.00013%); highest among the groups gnomAD compares: Non-Finnish European, 0.00017%; no homozygotes.

Submission:

Labcorp Genetics (formerly Invitae), Labcorp
Classification: Uncertain significance for Aicardi-Goutieres syndrome 7; Singleton-Merten syndrome 1. Last evaluated: 2024-02-17. Review status: criteria provided, single submitter. Criteria: Invitae Variant Classification Sherloc (09022015). Collection method: clinical testing. Allele origin: germline.
Comment: This sequence change replaces lysine, which is basic and polar, with glutamine, which is neutral and polar, at codon 519 of the IFIH1 protein (p.Lys519Gln). This variant is not present in population databases (gnomAD no frequency). This variant has not been reported in the literature in individuals affected with IFIH1-related conditions. ClinVar contains an entry for this variant (Variation ID: 2178078). Advanced modeling of protein sequence and biophysical properties (such as structural, functional, and spatial information, amino acid conservation, physicochemical variation, residue mobility, and thermodynamic stability) has been performed at Invitae for this missense variant, however the output from this modeling did not meet the statistical confidence thresholds required to predict the impact of this variant on IFIH1 protein function. In summary, the available evidence is currently insufficient to determine the role of this variant in disease. Therefore, it has been classified as a Variant of Uncertain Significance.

NM_022168.4(IFIH1):c.1555A>C (p.Lys519Gln)

Gene: IFIH1 (interferon induced with helicase C domain 1; minus strand). Cytogenetic location: 2q24.2.
Variant type: single nucleotide variant.
Coding change: c.1555A>C on transcript NM_022168.4 (MANE Select); coding-DNA position 1555, A replaced by C.
Protein change: p.Lys519Gln; replaces lysine 519 with glutamine.
Molecular consequence: missense variant.
Genome position (GRCh38, 1-based): chr2:162,280,082, T>G on the plus strand (A>C on the coding strand, the complement: IFIH1 is on the minus strand). VCF-style: chr2-162280082-T-G. GRCh37 (hg19) VCF-style: chr2-163136592-T-G.
Other names: short protein forms K519Q.
Identifiers: ClinVar variation 2178078 (VCV002178078.4), dbSNP rs1190299758, ClinGen allele CA349001138.